The following is an entry in ClinVar:

ClinVar aggregate classification (germline): Uncertain significance (1 of 4 stars; one submission).

Submission:

Medical Genetic Center, Changzhi Maternal and Child Health Care Hospital
Classification: Uncertain significance. Last evaluated: 2025-12-10. Review status: criteria provided, single submitter. Criteria: ACMG/ClinGen CNV Guidelines, 2019. Collection method: clinical testing. Allele origin: unknown.
Comment: 1A, TEAD1 partial duplication (NM_021961.6, exon 1-3)

GRCh38/hg38 11p15.3(chr11:12098673-12844354)x3

Genes: MICAL2 (microtubule associated monooxygenase, calponin and LIM domain containing 2; plus strand), MICALCL (MICAL C-terminal like; plus strand), MIR6124 (microRNA 6124; plus strand), PARVA (parvin alpha; plus strand), TEAD1 (TEA domain transcription factor 1; plus strand) and 17 more. Cytogenetic location: 11p15.3.
Variant type: copy number gain.
Change: copy number 3 (three copies instead of two) of chr11:12,098,673-12,844,354 (745.7 kb, GRCh38 coordinates, 1-based), cytogenetic band 11p15.3.
Identifiers: ClinVar variation 4796443 (VCV004796443.1).